The following is an entry in ClinVar:

ClinVar aggregate classification (germline): Likely benign (0 of 4 stars; one submission).

Conditions:
SVIL-related disorder. Also called: SVIL-related condition.

Allele frequency attached by ClinVar (database versions not stated): ESP Exome Variant Server 0.00038; 1000 Genomes Project 30x 0.00047; TOPMed 0.00049; gnomAD 0.00054; 1000 Genomes Project 0.00060.
gnomAD v4.1: 156 of 1,613,426 alleles (0.0097%); highest among the groups gnomAD compares: African/African-American, 0.18%; no homozygotes.

Submission:

PreventionGenetics, part of Exact Sciences
Classification: Likely benign for SVIL-related condition. Last evaluated: 2022-02-18. Review status: no assertion criteria provided. Collection method: clinical testing. Allele origin: germline.
Comment: This variant is classified as likely benign based on ACMG/AMP sequence variant interpretation guidelines (Richards et al. 2015 PMID: 25741868, with internal and published modifications).

NM_021738.3(SVIL):c.3164C>T (p.Ala1055Val)

Gene: SVIL (supervillin; minus strand). Cytogenetic location: 10p11.23.
Variant type: single nucleotide variant.
Coding change: c.3164C>T on transcript NM_021738.3 (MANE Select); coding-DNA position 3164, C replaced by T.
Protein change: p.Ala1055Val; replaces alanine 1055 with valine.
Molecular consequence: missense variant.
Genome position (GRCh38, 1-based): chr10:29,522,635, G>A on the plus strand (C>T on the coding strand, the complement: SVIL is on the minus strand). VCF-style: chr10-29522635-G-A. GRCh37 (hg19) VCF-style: chr10-29811564-G-A.
Other names: c.2234C>T, p.Ala745Val (NM_001323599.2); c.1982C>T, p.Ala661Val (NM_001323600.1); c.1886C>T, p.Ala629Val (NM_003174.3); short protein forms A1055V, A629V, A661V, A745V.
Identifiers: ClinVar variation 3048497 (VCV003048497.2), dbSNP rs116378282, ClinGen allele CA5457018.
Genomic context (GRCh38, chr10:29,522,635, plus strand): 5'-GCAATAGTTTTCCCAGCAGCTGTCCCCGTCTGCTCGGAAGTGGGCTCCCCGAACTCTGCC[G>A]CTGGGAAGGAAAAGAGCAACATCAGCACTGAACTCCTCAGGCAAACATTCTTCCAGCGAT-3'
Protein context (NP_068506.2, residues 1045-1065): NVMKRKFSLR[Ala1055Val]AEFGEPTSEQ